The following is an entry in ClinVar:

NM_014283.5(SUCO):c.809C>T (p.Thr270Ile)

Gene: SUCO (SUN domain containing ossification factor; plus strand). Cytogenetic location: 1q24.3.
Variant type: single nucleotide variant.
Coding change: c.809C>T on transcript NM_014283.5 (MANE Select); coding-DNA position 809, C replaced by T.
Protein change: p.Thr270Ile; replaces threonine 270 with isoleucine.
Molecular consequence: missense variant. On other transcripts: 5 prime UTR variant (1).
Genome position (GRCh38, 1-based): chr1:172,569,095, C>T. VCF-style: chr1-172569095-C-T. GRCh37 (hg19) VCF-style: chr1-172538235-C-T.
Other names: c.698C>T, p.Thr233Ile (NM_001282750.2); c.-721C>T (NM_001282751.2); c.1283C>T, p.Thr428Ile (NM_016227.4); short protein forms T270I, T428I, T233I.
Identifiers: ClinVar variation 4726159 (VCV004726159.1).

ClinVar aggregate classification (germline): Uncertain significance (1 of 4 stars; one submission).

Submission:

Labcorp Genetics (formerly Invitae), Labcorp
Classification: Uncertain significance. Last evaluated: 2025-09-09. Review status: criteria provided, single submitter. Criteria: Invitae Variant Classification Sherloc (09022015). Collection method: clinical testing. Allele origin: germline.
Comment: This sequence change replaces threonine, which is neutral and polar, with isoleucine, which is neutral and non-polar, at codon 270 of the SUCO protein (p.Thr270Ile). This variant is not present in population databases (gnomAD no frequency). This variant has not been reported in the literature in individuals affected with SUCO-related conditions. An algorithm developed to predict the effect of missense changes on protein structure and function (PolyPhen-2) suggests that this variant is likely to be disruptive. In summary, the available evidence is currently insufficient to determine the role of this variant in disease. Therefore, it has been classified as a Variant of Uncertain Significance.